The following is an entry in ClinVar:

NM_014339.7(IL17RA):c.2234G>C (p.Arg745Thr)

Gene: IL17RA (interleukin 17 receptor A; plus strand). Cytogenetic location: 22q11.1.
Variant type: single nucleotide variant.
Coding change: c.2234G>C on transcript NM_014339.7 (MANE Select); coding-DNA position 2234, G replaced by C.
Protein change: p.Arg745Thr; replaces arginine 745 with threonine.
Molecular consequence: missense variant.
Genome position (GRCh38, 1-based): chr22:17,109,453, G>C. VCF-style: chr22-17109453-G-C. GRCh37 (hg19) VCF-style: chr22-17590343-G-C.
Other names: c.2234G>C (NM_014339.5); c.2132G>C, p.Arg711Thr (NM_001289905.2); short protein forms R711T, R745T.
Identifiers: ClinVar variation 1416389 (VCV001416389.4), dbSNP rs780225029, ClinGen allele CA10086948.

ClinVar aggregate classification (germline): Uncertain significance. Review status: criteria provided, multiple submitters, no conflicts (2 of 4 stars). 2 submissions from 2 submitters: Uncertain significance (2). Last evaluated 2023-02-22.

Conditions:
Immunodeficiency 51 (IMD51). Also called: CANDIDIASIS, FAMILIAL, 5. Identifiers: Orphanet 1334, MedGen C4310803, MONDO:0013500, OMIM 613953.

Allele frequency attached by ClinVar (database versions not stated): ExAC 0.00001; gnomAD 0.00001; gnomAD exomes 0.00001 and 0.00002; TOPMed 0.00002.
gnomAD v4.1: 15 of 1,613,174 alleles (0.00093%); no homozygotes.

Submissions (2):

Ambry Genetics
Classification: Uncertain significance. Last evaluated: 2023-02-22. Review status: criteria provided, single submitter. Criteria: Ambry Variant Classification Scheme 2023. Collection method: clinical testing. Allele origin: germline.

Labcorp Genetics (formerly Invitae), Labcorp
Classification: Uncertain significance for Immunodeficiency 51. Last evaluated: 2022-03-18. Review status: criteria provided, single submitter. Criteria: Invitae Variant Classification Sherloc (09022015). Collection method: clinical testing. Allele origin: germline.
Comment: This sequence change replaces arginine, which is basic and polar, with threonine, which is neutral and polar, at codon 745 of the IL17RA protein (p.Arg745Thr). This variant is present in population databases (rs780225029, gnomAD 0.05%). This variant has not been reported in the literature in individuals affected with IL17RA-related conditions. Algorithms developed to predict the effect of missense changes on protein structure and function output the following: SIFT: "Deleterious"; PolyPhen-2: "Possibly Damaging"; Align-GVGD: "Class C0". The threonine amino acid residue is found in multiple mammalian species, which suggests that this missense change does not adversely affect protein function. In summary, the available evidence is currently insufficient to determine the role of this variant in disease. Therefore, it has been classified as a Variant of Uncertain Significance.